The following is an entry in ClinVar:

ClinVar aggregate classification (germline): Likely benign (1 of 4 stars; one submission).

Submission:

CeGaT Center for Human Genetics Tuebingen
Classification: Likely benign. Last evaluated: 2026-02-01. Review status: criteria provided, single submitter. Criteria: CeGaT Center For Human Genetics Tuebingen Variant Classification Criteria Version 2. Collection method: clinical testing. Allele origin: germline. Affected: yes. Observed: 1 variant allele.
Comment: SCYGR7: BP4, BP7

NM_001395408.1(SCYGR7):c.42T>C (p.Gly14=)

Gene: SCYGR7 (small cysteine and glycine repeat containing 7; plus strand). Cytogenetic location: 2q36.3.
Variant type: single nucleotide variant.
Coding change: c.42T>C on transcript NM_001395408.1 (MANE Select); coding-DNA position 42, T replaced by C.
Protein change: p.Gly14=; no amino-acid change (glycine 14 retained).
Molecular consequence: synonymous variant.
Genome position (GRCh38, 1-based): chr2:227,728,376, T>C. VCF-style: chr2-227728376-T-C. GRCh37 (hg19) VCF-style: chr2-228593092-T-C.
Identifiers: ClinVar variation 4820839 (VCV004820839.4).
Genomic context (GRCh38, chr2:227,728,376, plus strand): 5'-AGTCCTCTTTACTGACACCATGGGTTGCTGTGGTTGTGGAAGTTGTGGTGGCTGCGGTGG[T>C]GGCTGTGGTGGCTGCGGTGGTGGCTGCGGTGGTGGCTGCGGTGGTGGCTGTGGCAGCTGC-3'
Protein context (NP_001382337.1, residues 4-24): CGCGSCGGCG[Gly14=]GCGGCGGGCG